The following is an entry in ClinVar:

ClinVar aggregate classification (germline): Uncertain significance. Review status: criteria provided, multiple submitters, no conflicts (2 of 4 stars). 2 submissions from 2 submitters: Uncertain significance (2). Last evaluated 2024-10-06.

Conditions:
Inborn genetic diseases. Identifiers: MedGen C0950123, MeSH D030342.

Allele frequency attached by ClinVar (database versions not stated): gnomAD exomes below 0.00001.
gnomAD v4.1: 1 of 1,612,954 alleles (0.000062%); highest among the groups gnomAD compares: Non-Finnish European, 0.000085%; no homozygotes.

Submissions (2):

Ambry Genetics
Classification: Uncertain significance for Inborn genetic diseases. Last evaluated: 2024-10-06. Review status: criteria provided, single submitter. Criteria: Ambry Variant Classification Scheme 2023. Collection method: clinical testing. Allele origin: germline.

Labcorp Genetics (formerly Invitae), Labcorp
Classification: Uncertain significance. Last evaluated: 2023-10-31. Review status: criteria provided, single submitter. Criteria: Invitae Variant Classification Sherloc (09022015). Collection method: clinical testing. Allele origin: germline.
Comment: This sequence change replaces glutamic acid, which is acidic and polar, with aspartic acid, which is acidic and polar, at codon 307 of the NR2F1 protein (p.Glu307Asp). This variant is not present in population databases (gnomAD no frequency). This variant has not been reported in the literature in individuals affected with NR2F1-related conditions. Advanced modeling of protein sequence and biophysical properties (such as structural, functional, and spatial information, amino acid conservation, physicochemical variation, residue mobility, and thermodynamic stability) performed at Invitae indicates that this missense variant is not expected to disrupt NR2F1 protein function with a negative predictive value of 80%. In summary, the available evidence is currently insufficient to determine the role of this variant in disease. Therefore, it has been classified as a Variant of Uncertain Significance.

NM_005654.6(NR2F1):c.921G>C (p.Glu307Asp)

Gene: NR2F1 (nuclear receptor subfamily 2 group F member 1; plus strand). Cytogenetic location: 5q15.
Variant type: single nucleotide variant.
Coding change: c.921G>C on transcript NM_005654.6 (MANE Select); coding-DNA position 921, G replaced by C.
Protein change: p.Glu307Asp; replaces glutamic acid 307 with aspartic acid.
Molecular consequence: missense variant.
Genome position (GRCh38, 1-based): chr5:93,588,374, G>C. VCF-style: chr5-93588374-G-C. GRCh37 (hg19) VCF-style: chr5-92924080-G-C.
Other names: c.921G>C (NM_005654.4); c.471G>C, p.Glu157Asp (NM_001410754.1); short protein forms E307D, E157D.
Identifiers: ClinVar variation 2769574 (VCV002769574.4), dbSNP rs2480809174, ClinGen allele CA360527379.